The following is an entry in ClinVar:

NM_004082.5(DCTN1):c.163G>A (p.Gly55Ser)

Gene: DCTN1 (dynactin subunit 1; minus strand). Cytogenetic location: 2p13.1.
Variant type: single nucleotide variant.
Coding change: c.163G>A on transcript NM_004082.5 (MANE Select); coding-DNA position 163, G replaced by A.
Protein change: p.Gly55Ser; replaces glycine 55 with serine.
Molecular consequence: missense variant. On other transcripts: non-coding transcript variant (1).
Genome position (GRCh38, 1-based): chr2:74,378,116, C>T on the plus strand (G>A on the coding strand, the complement: DCTN1 is on the minus strand). VCF-style: chr2-74378116-C-T. GRCh37 (hg19) VCF-style: chr2-74605243-C-T.
Other names: c.163G>A, p.Gly55Ser (NM_001135040.3, NM_001190837.2); c.112G>A, p.Gly38Ser (NM_001190836.2, NM_001378991.1, NM_001378992.1); short protein forms G38S, G55S.
Identifiers: ClinVar variation 3756464 (VCV003756464.2).

ClinVar aggregate classification (germline): Uncertain significance (1 of 4 stars; one submission).

Conditions:
Amyotrophic lateral sclerosis type 1 (ALS1). Also called: AMYOTROPHIC LATERAL SCLEROSIS 1, FAMILIAL. Identifiers: Orphanet 803, MedGen C1862939, MONDO:0007103, OMIM 105400.
Neuronopathy, distal hereditary motor, type 7B. Also called: HMN VIIB; LOWER MOTOR NEURON DISEASE, DYNACTIN TYPE; NEURONOPATHY, DISTAL HEREDITARY MOTOR, AUTOSOMAL DOMINANT 14; NEURONOPATHY, DISTAL HEREDITARY MOTOR, HARDING TYPE VIIB; NEUROPATHY, DISTAL HEREDITARY MOTOR, HARDING TYPE VIIB; NEUROPATHY, DISTAL HEREDITARY MOTOR, WITH VOCAL CORD PARALYSIS, HARDING TYPE VIIB. Identifiers: Orphanet 139589, MedGen C1843315, MONDO:0011879, OMIM 607641.
Perry syndrome. Also called: PARKINSONISM WITH ALVEOLAR HYPOVENTILATION AND MENTAL DEPRESSION. Identifiers: Orphanet 178509, MedGen C1868594, MONDO:0008201, OMIM 168605.

Submission:

Labcorp Genetics (formerly Invitae), Labcorp
Classification: Uncertain significance for Amyotrophic lateral sclerosis type 1; Neuronopathy, distal hereditary motor, type 7B; Perry syndrome. Last evaluated: 2024-05-21. Review status: criteria provided, single submitter. Criteria: Invitae Variant Classification Sherloc (09022015). Collection method: clinical testing. Allele origin: germline.
Comment: This sequence change replaces glycine, which is neutral and non-polar, with serine, which is neutral and polar, at codon 55 of the DCTN1 protein (p.Gly55Ser). This variant is not present in population databases (gnomAD no frequency). This variant has not been reported in the literature in individuals affected with DCTN1-related conditions. Advanced modeling of protein sequence and biophysical properties (such as structural, functional, and spatial information, amino acid conservation, physicochemical variation, residue mobility, and thermodynamic stability) performed at Invitae indicates that this missense variant is expected to disrupt DCTN1 protein function with a positive predictive value of 80%. In summary, the available evidence is currently insufficient to determine the role of this variant in disease. Therefore, it has been classified as a Variant of Uncertain Significance.